The following is an entry in ClinVar:

NM_020778.5(ALPK3):c.1451C>T (p.Ala484Val)

Gene: ALPK3 (alpha kinase 3; plus strand). Cytogenetic location: 15q25.3.
Variant type: single nucleotide variant.
Coding change: c.1451C>T on transcript NM_020778.5 (MANE Select); coding-DNA position 1451, C replaced by T.
Protein change: p.Ala484Val; replaces alanine 484 with valine.
Molecular consequence: missense variant.
Genome position (GRCh38, 1-based): chr15:84,840,730, C>T. VCF-style: chr15-84840730-C-T. GRCh37 (hg19) VCF-style: chr15-85383961-C-T.
Other names: short protein forms A484V.
Identifiers: ClinVar variation 3227451 (VCV003227451.1), dbSNP rs777211313, ClinGen allele CA7709196.
Genomic context (GRCh38, chr15:84,840,730, plus strand): 5'-GCCAGCCCACACACTCCTTGACCCCCCAGCCGACTAGGCCTTTCAACAGAAAGAGATTTG[C>T]CCCTCCAAAGCCCAAAGGAGAGGCCACCACTGACAGCAAGCCCATTTCTTCTCTGAGTCA-3'
Protein context (NP_065829.4, residues 474-494): PTRPFNRKRF[Ala484Val]PPKPKGEATT

ClinVar aggregate classification (germline): Uncertain significance (1 of 4 stars; one submission).

Conditions:
Cardiovascular phenotype. Identifiers: MedGen CN230736.

Allele frequency attached by ClinVar (database versions not stated): gnomAD exomes below 0.00001; ExAC 0.00001.

Submission:

Ambry Genetics
Classification: Uncertain significance for Cardiovascular phenotype. Last evaluated: 2023-12-21. Review status: criteria provided, single submitter. Criteria: Ambry Variant Classification Scheme 2023. Collection method: clinical testing. Allele origin: germline.
Comment: The p.A686V variant (also known as c.2057C>T), located in coding exon 5 of the ALPK3 gene, results from a C to T substitution at nucleotide position 2057. The alanine at codon 686 is replaced by valine, an amino acid with similar properties. This amino acid position is conserved. In addition, this alteration is predicted to be tolerated by in silico analysis. Since supporting evidence is limited at this time, the clinical significance of this alteration remains unclear.